The following is an entry in ClinVar:

NM_002529.4(NTRK1):c.1501+5G>A

Gene: NTRK1 (neurotrophic receptor tyrosine kinase 1; plus strand). Cytogenetic location: 1q23.1.
Variant type: single nucleotide variant.
Coding change: c.1501+5G>A on transcript NM_002529.4 (MANE Select); 5 bases into the intron after coding-DNA position 1501, G replaced by A.
Molecular consequence: intron variant.
Genome position (GRCh38, 1-based): chr1:156,875,671, G>A. VCF-style: chr1-156875671-G-A. GRCh37 (hg19) VCF-style: chr1-156845463-G-A.
Other names: c.1393+5G>A (NM_001007792.1); c.1483+5G>A (NM_001012331.2).
Identifiers: ClinVar variation 1302928 (VCV001302928.3), dbSNP rs2102915746, ClinGen allele CA2573051389.

ClinVar aggregate classification (germline): Likely pathogenic (1 of 4 stars; one submission).

Submission:

GeneDx
Classification: Likely pathogenic. Last evaluated: 2023-02-14. Review status: criteria provided, single submitter. Criteria: GeneDx Variant Classification Process June 2021. Collection method: clinical testing. Allele origin: germline. Affected: yes.
Comment: Not observed in large population cohorts (gnomAD); Intronic +5 splice site variant in a gene for which loss of function is a known mechanism of disease, and both splice predictors and evolutionary conservation support a deleterious effect, although in the absence of functional evidence the actual effect of this sequence change is unknown.; Has not been previously published as pathogenic or benign to our knowledge